The following is an entry in ClinVar:

ClinVar aggregate classification (germline): Benign. Review status: criteria provided, multiple submitters, no conflicts (2 of 4 stars). 2 submissions from 2 submitters: Benign (2). Last evaluated 2018-01-12.

Conditions:
Hyperphosphatasemia with bone disease (PDB5). Also called: HYPEROSTOSIS CORTICALIS DEFORMANS JUVENILIS; HYPERPHOSPHATASEMIA, CHRONIC CONGENITAL IDIOPATHIC; HYPERPHOSPHATASIA, FAMILIAL IDIOPATHIC; PAGET DISEASE OF BONE 5, JUVENILE-ONSET; Paget disease of bone 5; Osteoectasia familial. Identifiers: Orphanet 2801, MedGen C0268414, MONDO:0009394, OMIM 239000.

Allele frequency attached by ClinVar (database versions not stated): gnomAD exomes 0.00576; gnomAD 0.08283 and 0.08889; 1000 Genomes Project 0.08866; TOPMed 0.09350; 1000 Genomes Project 30x 0.09494.

Submissions (2):

Illumina Laboratory Services, Illumina
Classification: Benign for Hyperphosphatasemia with bone disease. Last evaluated: 2018-01-12. Review status: criteria provided, single submitter. Criteria: ICSL Variant Classification Criteria 13 December 2019. Collection method: clinical testing. Allele origin: germline.
Comment: This variant was observed in the ICSL laboratory as part of a predisposition screen in an ostensibly healthy population. It had not been previously curated by ICSL or reported in the Human Gene Mutation Database (HGMD: prior to June 1st, 2018), and was therefore a candidate for classification through an automated scoring system. Utilizing variant allele frequency, disease prevalence and penetrance estimates, and inheritance mode, an automated score was calculated to assess if this variant is too frequent to cause the disease. Based on the score and internal cut-off values, a variant classified as benign is not then subjected to further curation. The score for this variant resulted in a classification of benign for this disease.

Breakthrough Genomics
Classification: Benign. Review status: criteria provided, single submitter. Criteria: ACMG Guidelines, 2015. Collection method: not provided. Allele origin: germline. Inheritance: Autosomal recessive inheritance. Affected: yes.

NM_002546.4(TNFRSF11B):c.*367G>A

Gene: TNFRSF11B (TNF receptor superfamily member 11b; minus strand). Cytogenetic location: 8q24.12.
Variant type: single nucleotide variant.
Coding change: c.*367G>A on transcript NM_002546.4 (MANE Select); 367 bases downstream of the stop codon, G replaced by A.
Molecular consequence: 3 prime UTR variant.
Genome position (GRCh38, 1-based): chr8:118,924,007, C>T on the plus strand (G>A on the coding strand, the complement: TNFRSF11B is on the minus strand). VCF-style: chr8-118924007-C-T. GRCh37 (hg19) VCF-style: chr8-119936246-C-T.
Identifiers: ClinVar variation 361685 (VCV000361685.6), dbSNP rs7815884, ClinGen allele CA10626919.